The following is an entry in ClinVar:

NM_002471.4(MYH6):c.3257A>G (p.Glu1086Gly)

Gene: MYH6 (myosin heavy chain 6; minus strand). Cytogenetic location: 14q11.2.
Variant type: single nucleotide variant.
Coding change: c.3257A>G on transcript NM_002471.4 (MANE Select); coding-DNA position 3257, A replaced by G.
Protein change: p.Glu1086Gly; replaces glutamic acid 1086 with glycine.
Molecular consequence: missense variant.
Genome position (GRCh38, 1-based): chr14:23,392,647, T>C on the plus strand (A>G on the coding strand, the complement: MYH6 is on the minus strand). VCF-style: chr14-23392647-T-C. GRCh37 (hg19) VCF-style: chr14-23861856-T-C.
Other names: short protein forms E1086G.
Identifiers: ClinVar variation 1729474 (VCV001729474.9), dbSNP rs1022920167, ClinGen allele CA257785432.

ClinVar aggregate classification (germline): Uncertain significance. Review status: criteria provided, multiple submitters, no conflicts (2 of 4 stars). 3 submissions from 3 submitters: Uncertain significance (3). Last evaluated 2026-06-12.

Conditions:
MYH6-related disorder. Also called: MYH6-Related Disorders; MYH6-related condition.
Hypertrophic cardiomyopathy 14. Identifiers: MedGen C2750467, MONDO:0013197, OMIM 613251.
Cardiovascular phenotype. Identifiers: MedGen CN230736.

Submissions (3):

PreventionGenetics, part of Exact Sciences
Classification: Uncertain significance for MYH6-related condition. Last evaluated: 2026-06-12. Review status: criteria provided, single submitter. Criteria: ACMG Guidelines, 2015. Collection method: clinical testing. Allele origin: germline.
Comment: The MYH6 c.3257A>G variant is predicted to result in the amino acid substitution p.Glu1086Gly. This variant was reported in an individual with tetralogy of fallot (Table S4, Sierant et al. 2025. PubMed ID: 40127276). This variant has not been reported in a large population database (gnomAD), indicating this variant is rare. At this time, the clinical significance of this variant is uncertain due to the absence of conclusive functional and genetic evidence.

Ambry Genetics
Classification: Uncertain significance for Cardiovascular phenotype. Last evaluated: 2025-01-21. Review status: criteria provided, single submitter. Criteria: Ambry Variant Classification Scheme 2023. Collection method: clinical testing. Allele origin: germline.
Comment: The p.E1086G variant (also known as c.3257A>G), located in coding exon 23 of the MYH6 gene, results from an A to G substitution at nucleotide position 3257. The glutamic acid at codon 1086 is replaced by glycine, an amino acid with similar properties. This amino acid position is conserved. In addition, the in silico prediction for this alteration is inconclusive. Since supporting evidence is limited at this time, the clinical significance of this alteration remains unclear.

Labcorp Genetics (formerly Invitae), Labcorp
Classification: Uncertain significance for Hypertrophic cardiomyopathy 14. Last evaluated: 2022-03-24. Review status: criteria provided, single submitter. Criteria: Invitae Variant Classification Sherloc (09022015). Collection method: clinical testing. Allele origin: germline.
Comment: In summary, the available evidence is currently insufficient to determine the role of this variant in disease. Therefore, it has been classified as a Variant of Uncertain Significance. Algorithms developed to predict the effect of sequence changes on RNA splicing suggest that this variant may disrupt the consensus splice site. Algorithms developed to predict the effect of missense changes on protein structure and function (SIFT, PolyPhen-2, Align-GVGD) all suggest that this variant is likely to be tolerated. This variant has not been reported in the literature in individuals affected with MYH6-related conditions. This variant is not present in population databases (gnomAD no frequency). This sequence change replaces glutamic acid, which is acidic and polar, with glycine, which is neutral and non-polar, at codon 1086 of the MYH6 protein (p.Glu1086Gly).